The following is an entry in ClinVar:

ClinVar aggregate classification (germline): Likely benign (1 of 4 stars; one submission).

Allele frequency attached by ClinVar (database versions not stated): TOPMed below 0.00001; gnomAD 0.00001.

Submission:

GeneDx
Classification: Likely benign. Last evaluated: 2014-09-10. Review status: criteria provided, single submitter. Criteria: GeneDx Variant Classification (06012015). Collection method: clinical testing. Allele origin: germline. Affected: yes.
Comment: This variant is considered likely benign or benign based on one or more of the following criteria: it is a conservative change, it occurs at a poorly conserved position in the protein, it is predicted to be benign by multiple in silico algorithms, and/or has population frequency not consistent with disease.

NM_006493.2(CLN5):c.5G>C (p.Arg2Pro)

Gene: CLN5 (CLN5 lysosomal BMP synthase; plus strand). Cytogenetic location: 13q22.3.
Variant type: single nucleotide variant.
Coding change: c.5G>C on transcript NM_006493.2; coding-DNA position 5, G replaced by C.
Protein change: p.Arg2Pro; replaces arginine 2 with proline.
Molecular consequence: missense variant.
Genome position (GRCh38, 1-based): chr13:76,991,956, G>C. VCF-style: chr13-76991956-G-C. GRCh37 (hg19) VCF-style: chr13-77566091-G-C.
Other names: p.R2P:CGC>CCC.
Identifiers: ClinVar variation 205121 (VCV000205121.3), dbSNP rs796052342, ClinGen allele CA313849.
Genomic context (GRCh38, chr13:76,991,956, plus strand): 5'-ACCTTCCTGGACTGCAAAGTGTGGAAGCCGCCGCGGGCCGGGCGCGGGGAGGTGTCATGC[G>C]CCGGAACCTGCGCTTGGGGCCAAGCTCTGGAGCTGACGCGCAGGGGCAAGGCGCCCCGCG-3'